The following is an entry in ClinVar:

NM_001042702.5(PJVK):c.532C>T (p.Arg178Ter)

Gene: PJVK (pejvakin; plus strand). Cytogenetic location: 2q31.2.
Variant type: single nucleotide variant.
Coding change: c.532C>T on transcript NM_001042702.5 (MANE Select); coding-DNA position 532, C replaced by T.
Protein change: p.Arg178Ter; replaces arginine 178 with a stop codon.
Molecular consequence: nonsense.
Genome position (GRCh38, 1-based): chr2:178,456,134, C>T. VCF-style: chr2-178456134-C-T. GRCh37 (hg19) VCF-style: chr2-179320861-C-T.
Other names: c.541C>T, p.Arg181Ter (NM_001353775.2); c.637C>T, p.Arg213Ter (NM_001353776.2); c.55C>T, p.Arg19Ter (NM_001353777.1, NM_001353778.2); c.532C>T, p.Arg178Ter (NM_001369912.1); c.532C>T (NM_001042702.3); short protein forms R213*, R19*, R178*, R181*.
Identifiers: ClinVar variation 2957246 (VCV002957246.5), dbSNP rs570669186, ClinGen allele CA60945034.

ClinVar aggregate classification (germline): Pathogenic/Likely pathogenic. Review status: criteria provided, multiple submitters, no conflicts (2 of 4 stars). 3 submissions from 3 submitters: Pathogenic (1); Likely pathogenic (1). 1 of the submissions does not count toward it. Last evaluated 2025-01-08.

Conditions:
PJVK-related disorder. Also called: PJVK-related condition.

Allele frequency attached by ClinVar (database versions not stated): gnomAD exomes below 0.00001; TOPMed below 0.00001; gnomAD 0.00001.
gnomAD v4.1: 7 of 1,613,822 alleles (0.00043%); highest among the groups gnomAD compares: Admixed American, 0.0017%; no homozygotes.

Submissions (3):

Labcorp Genetics (formerly Invitae), Labcorp
Classification: Pathogenic. Last evaluated: 2025-01-08. Review status: criteria provided, single submitter. Criteria: Invitae Variant Classification Sherloc (09022015). Collection method: clinical testing. Allele origin: germline.
Comment: This sequence change creates a premature translational stop signal (p.Arg178*) in the DFNB59 gene. It is expected to result in an absent or disrupted protein product. Loss-of-function variants in DFNB59 are known to be pathogenic (PMID: 17301963, 17718875). This variant is present in population databases (rs570669186, gnomAD 0.003%). This variant has not been reported in the literature in individuals affected with DFNB59-related conditions. ClinVar contains an entry for this variant (Variation ID: 2957246). Algorithms developed to predict the effect of sequence changes on RNA splicing suggest that this variant may disrupt the consensus splice site. For these reasons, this variant has been classified as Pathogenic.

Clinical Genetics Laboratory, Skane University Hospital Lund
Classification: Likely pathogenic. Last evaluated: 2022-05-27. Review status: criteria provided, single submitter. Criteria: ACMG Guidelines, 2015. Collection method: clinical testing. Allele origin: germline. Affected: yes.

PreventionGenetics, part of Exact Sciences
Classification: Likely pathogenic for PJVK-related condition. Last evaluated: 2024-08-27. Review status: no assertion criteria provided. Collection method: clinical testing. Allele origin: germline. Not counted in ClinVar's aggregate classification.
Comment: The PJVK c.532C>T variant is predicted to result in premature protein termination (p.Arg178*). This variant was reported along with a second potentially causative variant in an individual with hearing loss (Table S5, Wu et al. 2022. PubMed ID: 35982127). This variant is reported in 0.0028% of alleles in individuals of Latino descent in gnomAD. Nonsense variants in PJVK are expected to be pathogenic. This variant is interpreted as likely pathogenic.

Literature cited by the submitters: PubMed 17301963 (cited by Labcorp Genetics (formerly Invitae), Labcorp); PubMed 17718875 (cited by Labcorp Genetics (formerly Invitae), Labcorp).